The following is an entry in ClinVar:

NM_007194.4(CHEK2):c.338A>T (p.Tyr113Phe)

Gene: CHEK2 (checkpoint kinase 2; minus strand). Cytogenetic location: 22q12.1.
Variant type: single nucleotide variant.
Coding change: c.338A>T on transcript NM_007194.4 (MANE Select); coding-DNA position 338, A replaced by T.
Protein change: p.Tyr113Phe; replaces tyrosine 113 with phenylalanine.
Molecular consequence: missense variant.
Genome position (GRCh38, 1-based): chr22:28,725,349, T>A on the plus strand (A>T on the coding strand, the complement: CHEK2 is on the minus strand). VCF-style: chr22-28725349-T-A. GRCh37 (hg19) VCF-style: chr22-29121337-T-A.
Other names: c.467A>T, p.Tyr156Phe (NM_001005735.3); c.-440A>T (NM_001257387.3); c.338A>T, p.Tyr113Phe (NM_001349956.3, NM_145862.3); c.338A>T (NM_007194.3); short protein forms Y113F, Y156F.
Identifiers: ClinVar variation 2114089 (VCV002114089.5), dbSNP rs770343235, ClinGen allele CA411108235.
Genomic context (GRCh38, chr22:28,725,349, plus strand): 5'-GTTCTTTTCAGCAGTGGTTCATCAAAGCAATATTCACAGCTTTTGTCCCTCCCAAACCAG[T>A]AGTTGTCATTCACACATTCTGTAATATAAAAGCATGCATCAGAGGGCTGTTGAATTTCAT-3'
Protein context (NP_009125.1, residues 103-123): FANLECVNDN[Tyr113Phe]WFGRDKSCEY

ClinVar aggregate classification (germline): Uncertain significance. Review status: criteria provided, multiple submitters, no conflicts (2 of 4 stars). 2 submissions from 2 submitters: Uncertain significance (2). Last evaluated 2026-04-04.

Conditions:
Hereditary cancer-predisposing syndrome. Also called: Neoplastic Syndromes, Hereditary; Tumor predisposition; Hereditary Cancer Syndrome; Hereditary neoplastic syndrome. Identifiers: Orphanet 140162, MedGen C0027672, MeSH D009386, MONDO:0015356.
Familial cancer of breast. Also called: Hereditary breast cancer; hereditary breast carcinoma; BREAST CANCER, FAMILIAL. Identifiers: Orphanet 227535, MedGen C0346153, MONDO:0016419, OMIM 114480. Disease mechanism: loss of function.

Submissions (2):

Ambry Genetics
Classification: Uncertain significance for Hereditary cancer-predisposing syndrome. Last evaluated: 2026-04-04. Review status: criteria provided, single submitter. Criteria: Ambry Variant Classification Scheme 2023. Collection method: clinical testing. Allele origin: germline.
Comment: The p.Y113F variant (also known as c.338A>T), located in coding exon 2 of the CHEK2 gene, results from an A to T substitution at nucleotide position 338. The tyrosine at codon 113 is replaced by phenylalanine, an amino acid with highly similar properties. This amino acid position is conserved. In addition, the in silico prediction for this alteration is inconclusive. Based on the available evidence, the clinical significance of this variant remains unclear.

Labcorp Genetics (formerly Invitae), Labcorp
Classification: Uncertain significance for Familial cancer of breast. Last evaluated: 2022-03-19. Review status: criteria provided, single submitter. Criteria: Invitae Variant Classification Sherloc (09022015). Collection method: clinical testing. Allele origin: germline.
Comment: In summary, the available evidence is currently insufficient to determine the role of this variant in disease. Therefore, it has been classified as a Variant of Uncertain Significance. Algorithms developed to predict the effect of missense changes on protein structure and function are either unavailable or do not agree on the potential impact of this missense change (SIFT: "Deleterious"; PolyPhen-2: "Probably Damaging"; Align-GVGD: "Class C15"). This variant has not been reported in the literature in individuals affected with CHEK2-related conditions. This variant is not present in population databases (gnomAD no frequency). This sequence change replaces tyrosine, which is neutral and polar, with phenylalanine, which is neutral and non-polar, at codon 113 of the CHEK2 protein (p.Tyr113Phe).